The following is an entry in ClinVar:

NC_000023.10:g.(?_22108537)_(22108625_?)del

Gene: PHEX (phosphate regulating endopeptidase X-linked; plus strand). Cytogenetic location: Xp22.11.
Variant type: Deletion.
Identifiers: ClinVar variation 1067916 (VCV001067916.6).

ClinVar aggregate classification (germline): Likely pathogenic (1 of 4 stars; one submission).

Submission:

Labcorp Genetics (formerly Invitae), Labcorp
Classification: Likely pathogenic. Last evaluated: 2021-09-16. Review status: criteria provided, single submitter. Criteria: Invitae Variant Classification Sherloc (09022015). Collection method: clinical testing. Allele origin: germline.
Comment: This variant is a gross deletion of the genomic region encompassing exon(s) 6 of the PHEX gene. This variant would be expected to be in-frame, preserving the integrity of the reading frame. A similar copy number variant has been observed in individuals with hypophosphatemic rickets (PMID: 9768674; Invitae). Experimental studies and prediction algorithms are not available or were not evaluated, and the functional significance of this variant is currently unknown. In summary, the currently available evidence indicates that the variant is pathogenic, but additional data are needed to prove that conclusively. Therefore, this variant has been classified as Likely Pathogenic.

Literature cited by the submitters: PubMed 9768674.